The following is an entry in ClinVar:

ClinVar aggregate classification (germline): Conflicting classifications of pathogenicity. Review status: criteria provided, conflicting classifications (1 of 4 stars). 4 submissions from 4 submitters: Uncertain significance (3); Likely benign (1). Last evaluated 2026-04-02.

Conditions:
FH-related disorder. Also called: FH-related condition; FH-related disorders.
Hereditary cancer-predisposing syndrome. Also called: Neoplastic Syndromes, Hereditary; Hereditary Cancer Syndrome; Tumor predisposition; Hereditary neoplastic syndrome. Identifiers: Orphanet 140162, MedGen C0027672, MeSH D009386, MONDO:0015356.

Allele frequency attached by ClinVar (database versions not stated): gnomAD exomes below 0.00001 and 0.00001; TOPMed below 0.00001.
gnomAD v4.1: 8 of 1,613,920 alleles (0.0005%); highest among the groups gnomAD compares: South Asian, 0.0022%; no homozygotes.

Submissions (4):

PreventionGenetics, part of Exact Sciences
Classification: Uncertain significance for FH-related condition. Last evaluated: 2026-04-02. Review status: criteria provided, single submitter. Criteria: ACMG Guidelines, 2015. Collection method: clinical testing. Allele origin: germline.
Comment: The FH c.775A>G variant is predicted to result in the amino acid substitution p.Met259Val. To our knowledge, this variant has not been reported in the literature. This variant is reported in 0.0033% of alleles in individuals of South Asian descent in gnomAD and has conflicting interpretations in ClinVar ranging from likely benign to uncertain (Variation ID: 1313202). At this time, the clinical significance of this variant is uncertain due to the absence of conclusive functional and genetic evidence.

Labcorp Genetics (formerly Invitae), Labcorp
Classification: Uncertain significance. Last evaluated: 2025-08-11. Review status: criteria provided, single submitter. Criteria: Invitae Variant Classification Sherloc (09022015). Collection method: clinical testing. Allele origin: germline.
Comment: This sequence change replaces methionine, which is neutral and non-polar, with valine, which is neutral and non-polar, at codon 259 of the FH protein (p.Met259Val). This variant is present in population databases (no rsID available, gnomAD 0.006%). This variant has not been reported in the literature in individuals affected with FH-related conditions. ClinVar contains an entry for this variant (Variation ID: 1313202). Invitae Evidence Modeling of protein sequence and biophysical properties (such as structural, functional, and spatial information, amino acid conservation, physicochemical variation, residue mobility, and thermodynamic stability) indicates that this missense variant is not expected to disrupt FH protein function with a negative predictive value of 95%. In summary, the available evidence is currently insufficient to determine the role of this variant in disease. Therefore, it has been classified as a Variant of Uncertain Significance.

GeneDx
Classification: Uncertain significance. Last evaluated: 2020-09-16. Review status: criteria provided, single submitter. Criteria: GeneDx Variant Classification Process June 2021. Collection method: clinical testing. Allele origin: germline. Affected: yes.
Comment: Not observed at a significant frequency in large population cohorts (Lek 2016); In silico analysis supports that this missense variant does not alter protein structure/function; Has not been previously published as pathogenic or benign to our knowledge

Ambry Genetics
Classification: Likely benign for Hereditary cancer-predisposing syndrome. Last evaluated: 2020-05-12. Review status: criteria provided, single submitter. Criteria: Ambry Variant Classification Scheme 2023. Collection method: clinical testing. Allele origin: germline.

NM_000143.4(FH):c.775A>G (p.Met259Val)

Gene: FH (fumarate hydratase; minus strand). Cytogenetic location: 1q43.
Variant type: single nucleotide variant.
Coding change: c.775A>G on transcript NM_000143.4 (MANE Select); coding-DNA position 775, A replaced by G.
Protein change: p.Met259Val; replaces methionine 259 with valine.
Molecular consequence: missense variant.
Genome position (GRCh38, 1-based): chr1:241,506,132, T>C on the plus strand (A>G on the coding strand, the complement: FH is on the minus strand). VCF-style: chr1-241506132-T-C. GRCh37 (hg19) VCF-style: chr1-241669432-T-C.
Other names: short protein forms M259V.
Identifiers: ClinVar variation 1313202 (VCV001313202.9), dbSNP rs1343775223, ClinGen allele CA345439048.